The following is an entry in ClinVar:

ClinVar aggregate classification (germline): Uncertain significance (1 of 4 stars; one submission).

Submission:

GeneDx
Classification: Uncertain significance. Last evaluated: 2024-01-25. Review status: criteria provided, single submitter. Criteria: GeneDx Variant Classification Process June 2021. Collection method: clinical testing. Allele origin: germline. Affected: yes.
Comment: Not observed at significant frequency in large population cohorts (gnomAD); In silico analysis supports that this missense variant does not alter protein structure/function; Has not been previously published as pathogenic or benign to our knowledge.

NM_001020658.2(PUM1):c.1831G>A (p.Gly611Ser)

Gene: PUM1 (pumilio RNA binding family member 1; minus strand). Cytogenetic location: 1p35.2.
Variant type: single nucleotide variant.
Coding change: c.1831G>A on transcript NM_001020658.2 (MANE Select); coding-DNA position 1831, G replaced by A.
Protein change: p.Gly611Ser; replaces glycine 611 with serine.
Molecular consequence: missense variant.
Genome position (GRCh38, 1-based): chr1:30,966,237, C>T on the plus strand (G>A on the coding strand, the complement: PUM1 is on the minus strand). VCF-style: chr1-30966237-C-T. GRCh37 (hg19) VCF-style: chr1-31439084-C-T.
Other names: c.1831G>A, p.Gly611Ser (NM_014676.3); short protein forms G611S.
Identifiers: ClinVar variation 3368396 (VCV003368396.1).
Genomic context (GRCh38, chr1:30,966,237, plus strand): 5'-GGGGCTGAGGCTGCTGTGTTCCTAAAGGGCGAAATGGTCCATTTGTTGTTCCAGCAAGAC[C>T]ACCAGCTGCTCCATTTGCTGAAGCTGCGGCTGCTGCAACAGCTATGAAGAAGAAAGCAAA-3'
Protein context (NP_001018494.1, residues 601-621): AAASANGAAG[Gly611Ser]LAGTTNGPFR